The following is an entry in ClinVar:

NM_172201.2(KCNE2):c.30G>A (p.Thr10=)

Genes: KCNE2 (potassium voltage-gated channel subfamily E regulatory subunit 2; plus strand), LOC105372791 (uncharacterized LOC105372791; minus strand). Cytogenetic location: 21q22.11.
Variant type: single nucleotide variant.
Coding change: c.30G>A on transcript NM_172201.2 (MANE Select); coding-DNA position 30, G replaced by A.
Protein change: p.Thr10=; no amino-acid change (threonine 10 retained).
Molecular consequence: synonymous variant.
Genome position (GRCh38, 1-based): chr21:34,370,508, G>A. VCF-style: chr21-34370508-G-A. GRCh37 (hg19) VCF-style: chr21-35742807-G-A.
Identifiers: ClinVar variation 671162 (VCV000671162.12), dbSNP rs751014874, ClinGen allele CA10013388.

ClinVar aggregate classification (germline): Likely benign. Review status: criteria provided, multiple submitters, no conflicts (2 of 4 stars). 3 submissions from 3 submitters: Likely benign (3). Last evaluated 2024-10-22.

Conditions:
Cardiovascular phenotype. Identifiers: MedGen CN230736.
Long QT syndrome 6 (LQT6). Identifiers: Orphanet 101016, Orphanet 768, MedGen C3150953, MONDO:0013370, OMIM 613693.

Allele frequency attached by ClinVar (database versions not stated): gnomAD exomes 0.00001; TOPMed 0.00001; ExAC 0.00002; gnomAD below 0.00001 and 0.00001.
gnomAD v4.1: 18 of 1,613,998 alleles (0.0011%); highest among the groups gnomAD compares: South Asian, 0.0055%; no homozygotes.

Submissions (3):

Labcorp Genetics (formerly Invitae), Labcorp
Classification: Likely benign for Long QT syndrome 6. Last evaluated: 2024-10-22. Review status: criteria provided, single submitter. Criteria: Invitae Variant Classification Sherloc (09022015). Collection method: clinical testing. Allele origin: germline.

Ambry Genetics
Classification: Likely benign for Cardiovascular phenotype. Last evaluated: 2021-03-18. Review status: criteria provided, single submitter. Criteria: Ambry Variant Classification Scheme 2023. Collection method: clinical testing. Allele origin: germline.

GeneDx
Classification: Likely benign. Last evaluated: 2018-06-11. Review status: criteria provided, single submitter. Criteria: GeneDx Variant Classification (06012015). Collection method: clinical testing. Allele origin: germline. Affected: yes.
Comment: This variant is considered likely benign or benign based on one or more of the following criteria: it is a conservative change, it occurs at a poorly conserved position in the protein, it is predicted to be benign by multiple in silico algorithms, and/or has population frequency not consistent with disease.